The following is an entry in ClinVar:

ClinVar aggregate classification (germline): Uncertain significance (1 of 4 stars; one submission).

Conditions:
Hereditary cancer-predisposing syndrome. Also called: Neoplastic Syndromes, Hereditary; Tumor predisposition; Hereditary Cancer Syndrome; Hereditary neoplastic syndrome. Identifiers: Orphanet 140162, MedGen C0027672, MeSH D009386, MONDO:0015356.

Allele frequency attached by ClinVar (database versions not stated): gnomAD exomes below 0.00001.

Submission:

Ambry Genetics
Classification: Uncertain significance for Hereditary cancer-predisposing syndrome. Last evaluated: 2025-11-10. Review status: criteria provided, single submitter. Criteria: Ambry Variant Classification Scheme 2023. Collection method: clinical testing. Allele origin: germline.
Comment: The p.N211S variant (also known as c.632A>G), located in coding exon 5 of the DICER1 gene, results from an A to G substitution at nucleotide position 632. The asparagine at codon 211 is replaced by serine, an amino acid with highly similar properties. This amino acid position is highly conserved in available vertebrate species. In addition, this alteration is predicted to be tolerated by in silico analysis. Since supporting evidence is limited at this time, the clinical significance of this alteration remains unclear.

NM_177438.3(DICER1):c.632A>G (p.Asn211Ser)

Gene: DICER1 (dicer 1, ribonuclease III; minus strand). Cytogenetic location: 14q32.13.
Variant type: single nucleotide variant.
Coding change: c.632A>G on transcript NM_177438.3 (MANE Select); coding-DNA position 632, A replaced by G.
Protein change: p.Asn211Ser; replaces asparagine 211 with serine.
Molecular consequence: missense variant. On other transcripts: non-coding transcript variant (6), 5 prime UTR variant (1).
Genome position (GRCh38, 1-based): chr14:95,129,574, T>C on the plus strand (A>G on the coding strand, the complement: DICER1 is on the minus strand). VCF-style: chr14-95129574-T-C. GRCh37 (hg19) VCF-style: chr14-95595911-T-C.
Other names: c.632A>G, p.Asn211Ser (NM_001195573.1, NM_001271282.3, NM_001291628.2 and 15 more transcripts); c.350A>G, p.Asn117Ser (NM_001395686.1); c.227A>G, p.Asn76Ser (NM_001395687.1, NM_001395688.1, NM_001395689.1 and 3 more transcripts); c.65A>G, p.Asn22Ser (NM_001395691.1); c.-937A>G (NM_001395697.1); short protein forms N117S, N211S, N22S, N76S.
Identifiers: ClinVar variation 1752883 (VCV001752883.3), dbSNP rs2543283566, ClinGen allele CA390888188.